The following is an entry in ClinVar:

NM_001048174.2(MUTYH):c.39G>T (p.Arg13Ser)

Gene: MUTYH (mutY DNA glycosylase; minus strand). Cytogenetic location: 1p34.1.
Variant type: single nucleotide variant.
Coding change: c.39G>T on transcript NM_001048174.2 (MANE Select); coding-DNA position 39, G replaced by T.
Protein change: p.Arg13Ser; replaces arginine 13 with serine.
Molecular consequence: missense variant. On other transcripts: 5 prime UTR variant (7), non-coding transcript variant (7).
Genome position (GRCh38, 1-based): chr1:45,334,467, C>A on the plus strand (G>T on the coding strand, the complement: MUTYH is on the minus strand). VCF-style: chr1-45334467-C-A. GRCh37 (hg19) VCF-style: chr1-45800139-C-A.
Other names: c.39G>T, p.Arg13Ser (NM_001048171.2, NM_001048172.2, NM_001048173.2 and 15 more transcripts); c.81G>T, p.Arg27Ser (NM_001128425.2, NM_001293190.2, NM_001407069.1 and 2 more transcripts); c.-174G>T (NM_001293192.2, NM_001293196.2, NM_001407091.1); c.-233G>T (NM_001350650.2); c.-169G>T (NM_001350651.2, NM_001407082.1); c.-118G>T (NM_001407075.1); c.57G>T, p.Arg19Ser (NM_001407087.1); short protein forms R19S, R27S, R13S.
Identifiers: ClinVar variation 4113858 (VCV004113858.1).

ClinVar aggregate classification (germline): Uncertain significance (1 of 4 stars; one submission).

Conditions:
Hereditary cancer-predisposing syndrome. Also called: Hereditary neoplastic syndrome; Neoplastic Syndromes, Hereditary; Tumor predisposition; Hereditary Cancer Syndrome. Identifiers: Orphanet 140162, MedGen C0027672, MeSH D009386, MONDO:0015356.

Submission:

Ambry Genetics
Classification: Uncertain significance for Hereditary cancer-predisposing syndrome. Last evaluated: 2025-08-27. Review status: criteria provided, single submitter. Criteria: Ambry Variant Classification Scheme 2023. Collection method: clinical testing. Allele origin: germline.
Comment: The p.R27S variant (also known as c.81G>T), located in coding exon 2 of the MUTYH gene, results from a G to T substitution at nucleotide position 81. The arginine at codon 27 is replaced by serine, an amino acid with dissimilar properties. This amino acid position is conserved. In addition, this alteration is predicted to be tolerated by in silico analysis. Based on the available evidence, the clinical significance of this variant remains unclear.